The following is an entry in ClinVar:

NM_000642.3(AGL):c.3084-8T>C

Gene: AGL (amylo-alpha-1,6-glucosidase and 4-alpha-glucanotransferase; plus strand). Cytogenetic location: 1p21.2.
Variant type: single nucleotide variant.
Coding change: c.3084-8T>C on transcript NM_000642.3 (MANE Select); 8 bases into the intron before coding-DNA position 3084, T replaced by C.
Molecular consequence: intron variant.
Genome position (GRCh38, 1-based): chr1:99,892,424, T>C. VCF-style: chr1-99892424-T-C. GRCh37 (hg19) VCF-style: chr1-100357980-T-C.
Other names: c.3084-8T>C (NM_000643.3, NM_000644.3, NM_001425325.1 and 1 more transcripts); c.3036-8T>C (NM_000646.3); c.3063-8T>C (NM_001425326.1); c.2883-8T>C (NM_001425327.1); c.2880-8T>C (NM_001425328.1); c.2745-8T>C (NM_001425329.1); c.2706-8T>C (NM_001425332.1).
Identifiers: ClinVar variation 456482 (VCV000456482.21), dbSNP rs186402161, ClinGen allele CA966975.
Genomic context (GRCh38, chr1:99,892,424, plus strand): 5'-ACCAAGTAAAATAAAACTGCTAAAAATTGTATTTCTACAAGTAATAAATTCAATCACTTT[T>C]GTTACAGCTTTGTTCAGAATGGTTCAACCTTTGTGAAACACCTTTCATTGGGTTCAGTTC-3'

ClinVar aggregate classification (germline): Benign/Likely benign. Review status: criteria provided, multiple submitters, no conflicts (2 of 4 stars). 6 submissions from 6 submitters: Benign (2); Likely benign (4). Last evaluated 2026-04-01.

Conditions:
Glycogen storage disease type III (GSD3). Also called: Cori disease; FORBES DISEASE. Identifiers: Orphanet 366, MedGen C0017922, MONDO:0009291, OMIM 232400.

Allele frequency attached by ClinVar (database versions not stated): ESP Exome Variant Server 0.00008; gnomAD exomes 0.00013 and 0.00056; TOPMed 0.00027; ExAC 0.00056; 1000 Genomes Project 0.00060; 1000 Genomes Project 30x 0.00078.
gnomAD v4.1: 263 of 1,612,982 alleles (0.016%); highest among the groups gnomAD compares: East Asian, 0.45%; 3 homozygotes.

Submissions (6):

CeGaT Center for Human Genetics Tuebingen
Classification: Likely benign. Last evaluated: 2026-04-01. Review status: criteria provided, single submitter. Criteria: CeGaT Center For Human Genetics Tuebingen Variant Classification Criteria Version 2. Collection method: clinical testing. Allele origin: germline. Affected: yes. Observed: 1 variant allele.
Comment: AGL: BP4, BS2

Labcorp Genetics (formerly Invitae), Labcorp
Classification: Benign for Glycogen storage disease type III. Last evaluated: 2026-01-31. Review status: criteria provided, single submitter. Criteria: Invitae Variant Classification Sherloc (09022015). Collection method: clinical testing. Allele origin: germline.

Blueprint Genetics
Classification: Likely benign. Last evaluated: 2024-09-09. Review status: criteria provided, single submitter. Criteria: ACMG Guidelines, 2015. Collection method: clinical testing. Allele origin: germline.

ARUP Laboratories, Molecular Genetics and Genomics, ARUP Laboratories
Classification: Likely benign. Last evaluated: 2024-08-22. Review status: criteria provided, single submitter. Criteria: ARUP Molecular Germline Variant Investigation Process 2024. Collection method: clinical testing. Allele origin: germline.

Genome-Nilou Lab
Classification: Benign for Glycogen storage disease type III. Last evaluated: 2021-07-15. Review status: criteria provided, single submitter. Criteria: ACMG Guidelines, 2015. Collection method: clinical testing. Allele origin: germline. Affected: no.

Illumina Laboratory Services, Illumina
Classification: Likely benign for Glycogen storage disease type III. Last evaluated: 2018-03-06. Review status: criteria provided, single submitter. Criteria: ICSL Variant Classification Criteria 13 December 2019. Collection method: clinical testing. Allele origin: germline.
Comment: This variant was observed in the ICSL laboratory as part of a predisposition screen in an ostensibly healthy population. It had not been previously curated by ICSL or reported in the Human Gene Mutation Database (HGMD: prior to June 1st, 2018), and was therefore a candidate for classification through an automated scoring system. Utilizing variant allele frequency, disease prevalence and penetrance estimates, and inheritance mode, an automated score was calculated to assess if this variant is too frequent to cause the disease. Based on the score and internal cut-off values, a variant classified as likely benign is not then subjected to further curation. The score for this variant resulted in a classification of likely benign for this disease.